The following is an entry in ClinVar:

ClinVar aggregate classification (germline): Uncertain significance (1 of 4 stars; one submission).

Conditions:
Encephalopathy, acute, infection-induced (herpes-specific), susceptibility to, 1. Also called: Herpes simplex encephalitis, susceptibility to, 1. Identifiers: Orphanet 1930, MedGen C2750180, MONDO:0024563, OMIM 610551.

Submission:

Labcorp Genetics (formerly Invitae), Labcorp
Classification: Uncertain significance for Encephalopathy, acute, infection-induced (herpes-specific), susceptibility to, 1. Last evaluated: 2019-10-25. Review status: criteria provided, single submitter. Criteria: Invitae Variant Classification Sherloc (09022015). Collection method: clinical testing. Allele origin: germline.
Comment: In summary, the available evidence is currently insufficient to determine the role of this variant in disease. Therefore, it has been classified as a Variant of Uncertain Significance. Algorithms developed to predict the effect of missense changes on protein structure and function (SIFT, PolyPhen-2, Align-GVGD) all suggest that this variant is likely to be tolerated, but these predictions have not been confirmed by published functional studies and their clinical significance is uncertain. This variant has not been reported in the literature in individuals with TLR3-related conditions. This variant is not present in population databases (ExAC no frequency). This sequence change replaces proline with alanine at codon 504 of the TLR3 protein (p.Pro504Ala). The proline residue is moderately conserved and there is a small physicochemical difference between proline and alanine.

NM_003265.3(TLR3):c.1510C>G (p.Pro504Ala)

Gene: TLR3 (toll like receptor 3; plus strand). Cytogenetic location: 4q35.1.
Variant type: single nucleotide variant.
Coding change: c.1510C>G on transcript NM_003265.3 (MANE Select); coding-DNA position 1510, C replaced by G.
Protein change: p.Pro504Ala; replaces proline 504 with alanine.
Molecular consequence: missense variant.
Genome position (GRCh38, 1-based): chr4:186,083,196, C>G. VCF-style: chr4-186083196-C-G. GRCh37 (hg19) VCF-style: chr4-187004350-C-G.
Other names: short protein forms P504A.
Identifiers: ClinVar variation 958736 (VCV000958736.10), dbSNP rs1263661319, ClinGen allele CA358932365.